The following is an entry in ClinVar:

ClinVar aggregate classification (germline): Benign. Review status: criteria provided, multiple submitters, no conflicts (2 of 4 stars). 12 submissions from 12 submitters: Benign (10). 2 of the submissions do not count toward it. Last evaluated 2026-02-03.

Conditions:
Myofibrillar myopathy 5. Also called: FILAMINOPATHY, AUTOSOMAL DOMINANT; Filaminopathy (type). Identifiers: Orphanet 171445, MedGen C1836050, MONDO:0012289, OMIM 609524.
Distal myopathy with posterior leg and anterior hand involvement. Also called: WILLIAMS DISTAL MYOPATHY. Identifiers: Orphanet 63273, MedGen C3279722, MONDO:0013550, OMIM 614065.
Hypertrophic cardiomyopathy 26. Also called: Cardiomyopathy, familial hypertrophic, 26. Identifiers: Orphanet 75249, MedGen C4310749, MONDO:0014883, OMIM 617047.
Cardiomyopathy (CMYO). Also called: Cardiomyopathies. Identifiers: Orphanet 167848, MedGen C0878544, MONDO:0004994, HP:0001638. Inheritance: Various modes of inheritance.
Cardiovascular phenotype. Identifiers: MedGen CN230736.

Allele frequency attached by ClinVar (database versions not stated): gnomAD exomes 0.00085 and 0.00213; ExAC 0.00257; ESP Exome Variant Server 0.00840; 1000 Genomes Project 0.00879; 1000 Genomes Project 30x 0.00890; gnomAD 0.00920 and 0.00988; TOPMed 0.01013.
gnomAD v4.1: 2,687 of 1,614,060 alleles (0.17%); highest among the groups gnomAD compares: African/African-American, 3.2%; 55 homozygotes.

Submissions (12):

Labcorp Genetics (formerly Invitae), Labcorp
Classification: Benign for Distal myopathy with posterior leg and anterior hand involvement; Myofibrillar myopathy 5; Hypertrophic cardiomyopathy 26. Last evaluated: 2026-02-03. Review status: criteria provided, single submitter. Criteria: Invitae Variant Classification Sherloc (09022015). Collection method: clinical testing. Allele origin: germline.

ARUP Laboratories, Molecular Genetics and Genomics, ARUP Laboratories
Classification: Benign. Last evaluated: 2025-05-14. Review status: criteria provided, single submitter. Criteria: ARUP Molecular Germline Variant Investigation Process 2024. Collection method: clinical testing. Allele origin: germline.

Molecular Diagnostic Laboratory for Inherited Cardiovascular Disease, Montreal Heart Institute
Classification: Benign. Last evaluated: 2025-04-09. Review status: criteria provided, single submitter. Criteria: ACMG Guidelines, 2015. Collection method: clinical testing. Allele origin: germline. Affected: no.

Mayo Clinic Laboratories, Mayo Clinic
Classification: Benign. Last evaluated: 2023-10-05. Review status: criteria provided, single submitter. Criteria: ACMG Guidelines, 2015. Collection method: clinical testing. Allele origin: germline. Observed: 18 variant alleles.
Comment: BS1, BS2, BP4, BP7

CHEO Genetics Diagnostic Laboratory, Children's Hospital of Eastern Ontario
Classification: Benign for Cardiomyopathy. Last evaluated: 2023-05-16. Review status: criteria provided, single submitter. Criteria: ACMG Guidelines, 2015. Collection method: clinical testing. Allele origin: germline.

Women's Health and Genetics/Laboratory Corporation of America, LabCorp
Classification: Benign. Last evaluated: 2023-04-17. Review status: criteria provided, single submitter. Criteria: LabCorp Variant Classification Summary - May 2015. Collection method: clinical testing. Allele origin: germline.

Ambry Genetics
Classification: Benign for Cardiovascular phenotype. Last evaluated: 2018-12-26. Review status: criteria provided, single submitter. Criteria: Ambry Variant Classification Scheme 2023. Collection method: clinical testing. Allele origin: germline.

Athena Diagnostics
Classification: Benign. Last evaluated: 2018-08-09. Review status: criteria provided, single submitter. Criteria: Athena Diagnostics Criteria. Collection method: clinical testing. Allele origin: germline.

GeneDx
Classification: Benign. Last evaluated: 2017-01-06. Review status: criteria provided, single submitter. Criteria: GeneDx Variant Classification (06012015). Collection method: clinical testing. Allele origin: germline. Affected: yes.
Comment: This variant is considered likely benign or benign based on one or more of the following criteria: it is a conservative change, it occurs at a poorly conserved position in the protein, it is predicted to be benign by multiple in silico algorithms, and/or has population frequency not consistent with disease.

Breakthrough Genomics
Classification: Benign. Review status: criteria provided, single submitter. Criteria: ACMG Guidelines, 2015. Collection method: not provided. Allele origin: germline. Inheritance: Autosomal dominant inheritance. Affected: yes.

Clinical Genetics DNA and cytogenetics Diagnostics Lab, Erasmus MC, Erasmus Medical Center
Classification: Benign. Review status: no assertion criteria provided. Collection method: clinical testing. Allele origin: germline. Affected: yes. Study: VKGL Data-share Consensus. Not counted in ClinVar's aggregate classification.

Clinical Genetics, Academic Medical Center
Classification: Benign. Review status: no assertion criteria provided. Collection method: clinical testing. Allele origin: germline. Affected: yes. Study: VKGL Data-share Consensus. Not counted in ClinVar's aggregate classification.

NM_001458.5(FLNC):c.4302C>T (p.Arg1434=)

Gene: FLNC (filamin C; plus strand). Cytogenetic location: 7q32.1.
Variant type: single nucleotide variant.
Coding change: c.4302C>T on transcript NM_001458.5 (MANE Select); coding-DNA position 4302, C replaced by T.
Protein change: p.Arg1434=; no amino-acid change (arginine 1434 retained).
Molecular consequence: synonymous variant.
Genome position (GRCh38, 1-based): chr7:128,847,710, C>T. VCF-style: chr7-128847710-C-T. GRCh37 (hg19) VCF-style: chr7-128487764-C-T.
Other names: p.Arg1434=; c.4302C>T, p.Arg1434= (NM_001127487.2).
Identifiers: ClinVar variation 391107 (VCV000391107.23), dbSNP rs114697352, ClinGen allele CA4475311.
Genomic context (GRCh38, chr7:128,847,710, plus strand): 5'-GACCCATCAGGGCTGGTGGGCAGGGTCTAATGTCCTTCTCCTCACAGGGAGCCCGTTCCG[C>T]GTGCCAGTGAAGGATGTGGTGGACCCTGGGAAGGTGAAGTGCTCAGGGCCAGGGCTGGGG-3'
Protein context (NP_001449.3, residues 1424-1444): GGRPIPGSPF[Arg1434=]VPVKDVVDPG